The following is an entry in ClinVar:

NM_001130009.3(GEN1):c.1623A>G (p.Gln541=)

Gene: GEN1 (GEN1 structure-specific endonuclease; plus strand). Cytogenetic location: 2p24.2.
Variant type: single nucleotide variant.
Coding change: c.1623A>G on transcript NM_001130009.3 (MANE Select); coding-DNA position 1623, A replaced by G.
Protein change: p.Gln541=; no amino-acid change (glutamine 541 retained).
Molecular consequence: synonymous variant.
Genome position (GRCh38, 1-based): chr2:17,780,835, A>G. VCF-style: chr2-17780835-A-G. GRCh37 (hg19) VCF-style: chr2-17962102-A-G.
Other names: c.1623A>G, p.Gln541= (NM_182625.5); c.1623A>G (NM_001130009.1, NM_182625.3).
Identifiers: ClinVar variation 1058475 (VCV001058475.10), dbSNP rs916698138, ClinGen allele CA43359563.

ClinVar aggregate classification (germline): Likely benign. Review status: criteria provided, multiple submitters, no conflicts (2 of 4 stars). 2 submissions from 2 submitters: Likely benign (2). Last evaluated 2025-09-16.

Allele frequency attached by ClinVar (database versions not stated): gnomAD 0.00001; gnomAD exomes 0.00003.
gnomAD v4.1: 38 of 1,613,984 alleles (0.0024%); highest among the groups gnomAD compares: East Asian, 0.085%; no homozygotes.

Submissions (2):

Labcorp Genetics (formerly Invitae), Labcorp
Classification: Likely benign. Last evaluated: 2025-09-16. Review status: criteria provided, single submitter. Criteria: Invitae Variant Classification Sherloc (09022015). Collection method: clinical testing. Allele origin: germline.

Ambry Genetics
Classification: Likely benign. Last evaluated: 2025-01-21. Review status: criteria provided, single submitter. Criteria: Ambry Variant Classification Scheme 2023. Collection method: clinical testing. Allele origin: germline.